The following is an entry in ClinVar:

NM_020821.3(VPS13C):c.3122C>A (p.Thr1041Asn)

Gene: VPS13C (vacuolar protein sorting 13 homolog C; minus strand). Cytogenetic location: 15q22.2.
Variant type: single nucleotide variant.
Coding change: c.3122C>A on transcript NM_020821.3 (MANE Select); coding-DNA position 3122, C replaced by A.
Protein change: p.Thr1041Asn; replaces threonine 1041 with asparagine.
Molecular consequence: missense variant.
Genome position (GRCh38, 1-based): chr15:61,964,791, G>T on the plus strand (C>A on the coding strand, the complement: VPS13C is on the minus strand). VCF-style: chr15-61964791-G-T. GRCh37 (hg19) VCF-style: chr15-62256990-G-T.
Other names: c.3122C>A, p.Thr1041Asn (NM_001018088.3); c.2993C>A, p.Thr998Asn (NM_017684.5, NM_018080.4); short protein forms T1041N, T998N.
Identifiers: ClinVar variation 1948163 (VCV001948163.2), dbSNP rs763921083, ClinGen allele CA7596481.

ClinVar aggregate classification (germline): Uncertain significance (1 of 4 stars; one submission).

Allele frequency attached by ClinVar (database versions not stated): ExAC 0.00002; gnomAD exomes 0.00002; gnomAD 0.00003.

Submission:

Labcorp Genetics (formerly Invitae), Labcorp
Classification: Uncertain significance. Last evaluated: 2022-07-25. Review status: criteria provided, single submitter. Criteria: Invitae Variant Classification Sherloc (09022015). Collection method: clinical testing. Allele origin: germline.
Comment: This sequence change replaces threonine, which is neutral and polar, with asparagine, which is neutral and polar, at codon 1041 of the VPS13C protein (p.Thr1041Asn). This variant is present in population databases (rs763921083, gnomAD 0.002%). This variant has not been reported in the literature in individuals affected with VPS13C-related conditions. Algorithms developed to predict the effect of missense changes on protein structure and function output the following: SIFT: "Tolerated"; PolyPhen-2: "Benign"; Align-GVGD: "Class C0". The asparagine amino acid residue is found in multiple mammalian species, which suggests that this missense change does not adversely affect protein function. In summary, the available evidence is currently insufficient to determine the role of this variant in disease. Therefore, it has been classified as a Variant of Uncertain Significance.